The following is an entry in ClinVar:

ClinVar aggregate classification (germline): Uncertain significance. Review status: criteria provided, multiple submitters, no conflicts (2 of 4 stars). 4 submissions from 4 submitters: Uncertain significance (4). Last evaluated 2026-01-12.

Allele frequency attached by ClinVar (database versions not stated): TOPMed below 0.00001; gnomAD 0.00002; gnomAD exomes 0.00003 and 0.00006; ExAC 0.00004.
gnomAD v4.1: 19 of 1,610,332 alleles (0.0012%); highest among the groups gnomAD compares: Admixed American, 0.032%; no homozygotes.

Submissions (4):

Labcorp Genetics (formerly Invitae), Labcorp
Classification: Uncertain significance. Last evaluated: 2026-01-12. Review status: criteria provided, single submitter. Criteria: Invitae Variant Classification Sherloc (09022015). Collection method: clinical testing. Allele origin: germline.
Comment: This sequence change replaces threonine, which is neutral and polar, with alanine, which is neutral and non-polar, at codon 521 of the DIAPH3 protein (p.Thr521Ala). This variant is present in population databases (rs775151037, gnomAD 0.05%). This variant has not been reported in the literature in individuals affected with DIAPH3-related conditions. ClinVar contains an entry for this variant (Variation ID: 1307277). An algorithm developed to predict the effect of missense changes on protein structure and function outputs the following: PolyPhen-2: "Benign". The alanine amino acid residue is found in multiple mammalian species, which suggests that this missense change does not adversely affect protein function. In summary, the available evidence is currently insufficient to determine the role of this variant in disease. Therefore, it has been classified as a Variant of Uncertain Significance.

Ambry Genetics
Classification: Uncertain significance. Last evaluated: 2025-08-28. Review status: criteria provided, single submitter. Criteria: Ambry Variant Classification Scheme 2023. Collection method: clinical testing. Allele origin: germline.

GeneDx
Classification: Uncertain significance. Last evaluated: 2025-05-15. Review status: criteria provided, single submitter. Criteria: GeneDx Variant Classification Process June 2021. Collection method: clinical testing. Allele origin: germline. Affected: yes.
Comment: In silico analysis supports that this missense variant has a deleterious effect on protein structure/function; Has not been previously published as pathogenic or benign to our knowledge; Variants in candidate genes are classified as variants of uncertain significance in accordance with ACMG guidelines (PMID: 25741868)

Women's Health and Genetics/Laboratory Corporation of America, LabCorp
Classification: Uncertain significance. Last evaluated: 2024-01-04. Review status: criteria provided, single submitter. Criteria: LabCorp Variant Classification Summary - May 2015. Collection method: clinical testing. Allele origin: germline.
Comment: Variant summary: DIAPH3 c.1561A>G (p.Thr521Ala) results in a non-conservative amino acid change in the encoded protein sequence. Four of five in-silico tools predict a benign effect of the variant on protein function. The variant allele was found at a frequency of 6.1e-05 in 247604 control chromosomes. To our knowledge, no occurrence of c.1561A>G in individuals affected with Autosomal Dominant Auditory Neuropathy 1 and no experimental evidence demonstrating its impact on protein function have been reported. ClinVar contains an entry for this variant (Variation ID: 1307277). Based on the evidence outlined above, the variant was classified as uncertain significance.

NM_001042517.2(DIAPH3):c.1561A>G (p.Thr521Ala)

Gene: DIAPH3 (diaphanous related formin 3; minus strand). Cytogenetic location: 13q21.2.
Variant type: single nucleotide variant.
Coding change: c.1561A>G on transcript NM_001042517.2 (MANE Select); coding-DNA position 1561, A replaced by G.
Protein change: p.Thr521Ala; replaces threonine 521 with alanine.
Molecular consequence: missense variant.
Genome position (GRCh38, 1-based): chr13:59,974,441, T>C on the plus strand (A>G on the coding strand, the complement: DIAPH3 is on the minus strand). VCF-style: chr13-59974441-T-C. GRCh37 (hg19) VCF-style: chr13-60548575-T-C.
Other names: c.1528A>G, p.Thr510Ala (NM_001258366.2); c.1423A>G, p.Thr475Ala (NM_001258367.2); c.1351A>G, p.Thr451Ala (NM_001258368.2); c.1561A>G, p.Thr521Ala (NM_001258369.2); c.772A>G, p.Thr258Ala (NM_001258370.2, NM_030932.4); short protein forms T258A, T451A, T475A, T510A, T521A.
Identifiers: ClinVar variation 1307277 (VCV001307277.13), dbSNP rs775151037, ClinGen allele CA6996640.